The following is an entry in ClinVar:

NM_001904.4(CTNNB1):c.1723G>A (p.Gly575Arg)

Gene: CTNNB1 (catenin beta 1; plus strand). Cytogenetic location: 3p22.1.
Variant type: single nucleotide variant.
Coding change: c.1723G>A on transcript NM_001904.4 (MANE Select); coding-DNA position 1723, G replaced by A.
Protein change: p.Gly575Arg; replaces glycine 575 with arginine.
Molecular consequence: missense variant.
Genome position (GRCh38, 1-based): chr3:41,235,763, G>A. VCF-style: chr3-41235763-G-A. GRCh37 (hg19) VCF-style: chr3-41277254-G-A.
Other names: c.1723G>A, p.Gly575Arg (NM_001098209.2, NM_001098210.2); c.1702G>A, p.Gly568Arg (NM_001330729.2); short protein forms G575R, G568R.
Identifiers: ClinVar variation 208674 (VCV000208674.20), dbSNP rs797044875, ClinGen allele CA204652.

ClinVar aggregate classification (germline): Pathogenic/Likely pathogenic. Review status: criteria provided, multiple submitters, no conflicts (2 of 4 stars). 10 submissions from 10 submitters: Pathogenic (3); Likely pathogenic (6). 1 of the submissions does not count toward it. Last evaluated 2026-03-01.

Conditions:
CTNNB1-related disorder. Also called: CTNNB1-related condition.
Inborn genetic diseases. Identifiers: MedGen C0950123, MeSH D030342.
Severe intellectual disability-progressive spastic diplegia syndrome (NEDSDV). Also called: NEURODEVELOPMENTAL DISORDER WITH SPASTIC DIPLEGIA AND VISUAL DEFECTS; CTNNB1 Neurodevelopmental Disorder. Identifiers: Orphanet 404473, MedGen C3554449, MONDO:0014035, OMIM 615075.

Submissions (10):

CeGaT Center for Human Genetics Tuebingen
Classification: Pathogenic. Last evaluated: 2026-03-01. Review status: criteria provided, single submitter. Criteria: CeGaT Center For Human Genetics Tuebingen Variant Classification Criteria Version 2. Collection method: clinical testing. Allele origin: germline. Affected: yes. Observed: 1 variant allele.
Comment: CTNNB1: PM6:Very Strong, PS4, PM2, PP3

3billion
Classification: Likely pathogenic for Severe intellectual disability-progressive spastic diplegia syndrome. Last evaluated: 2025-08-01. Review status: criteria provided, single submitter. Criteria: ACMG Guidelines, 2015. Collection method: clinical testing. Allele origin: germline. Affected: yes.
Comment: The variant is not observed in the gnomAD v4.1.0 dataset. Predicted Consequence/Location: Missense variant In silico tool predictions suggest damaging effect of the variant on gene or gene product [REVEL: 0.72 (>=0.6, sensitivity 0.68 and specificity 0.92)]. The same nucleotide change resulting in the same amino acid change has been previously reported as pathogenic/likely pathogenic with strong evidence (ClinVar ID: VCV000208674 /3billion dataset). Therefore, this variant is classified as Likely pathogenic according to the recommendation of ACMG/AMP guideline.

Institute of Medical Genetics and Applied Genomics, University Hospital Tübingen
Classification: Likely pathogenic for Severe intellectual disability-progressive spastic diplegia syndrome. Last evaluated: 2024-06-26. Review status: criteria provided, single submitter. Criteria: ACMG Guidelines, 2015. Collection method: clinical testing. Allele origin: germline. Inheritance: Autosomal dominant inheritance. Affected: yes.

GeneDx
Classification: Pathogenic. Last evaluated: 2024-05-21. Review status: criteria provided, single submitter. Criteria: GeneDx Variant Classification Process June 2021. Collection method: clinical testing. Allele origin: germline. Affected: yes.
Comment: Not observed at significant frequency in large population cohorts (gnomAD); In silico analysis supports that this missense variant has a deleterious effect on protein structure/function; This variant is associated with the following publications: (PMID: 28330790, 26795593, 33350591, 34582765, 36083290, 36790797)

Daryl Scott Lab, Baylor College of Medicine
Classification: Likely pathogenic for CTNNB1-related disorder. Last evaluated: 2024-01-01. Review status: criteria provided, single submitter. Criteria: ACMG Guidelines, 2015. Collection method: clinical testing. Allele origin: de novo. Affected: yes. Observed: 1 heterozygote.
Comment: PS2, PM2, PP3

Victorian Clinical Genetics Services, Murdoch Childrens Research Institute
Classification: Likely pathogenic for Severe intellectual disability-progressive spastic diplegia syndrome. Last evaluated: 2022-02-02. Review status: criteria provided, single submitter. Criteria: ACMG Guidelines, 2015. Collection method: clinical testing. Allele origin: germline. Inheritance: Autosomal dominant inheritance. Affected: yes.
Comment: Based on the classification scheme VCGS_Germline_v1.3.4, this variant is classified as Likely pathogenic. Following criteria are met: 0102 - Loss of function is a known mechanism of disease in this gene and is associated with exudative vitreoretinopathy 7 (EVR; MIM#617572) and neurodevelopmental disorder with spastic diplegia and visual defects (MIM#615075). (I) 0107 - This gene is associated with autosomal dominant disease. (I) 0200 - Variant is predicted to result in a missense amino acid change from glycine to arginine. (I) 0251 - This variant is heterozygous. (I) 0301 - Variant is absent from gnomAD (both v2 and v3). (SP) 0501 - Missense variant consistently predicted to be damaging by multiple in silico tools or highly conserved with a major amino acid change. (SP) 0604 - Variant is not located in an established domain, motif, hotspot or informative constraint region. (I) 0705 - No comparable missense variants have previous evidence for pathogenicity. (I) 0801 - This variant has strong previous evidence of pathogenicity in unrelated individuals. It has been reported de novo in least two individuals described to have autism spectrum disorder and neurodevelopmental disorder, respectively (PMID: 28330790, 33350591). (SP) 0905 - No published segregation evidence has been identified for this variant. (I) 1007 - No published functional evidence has been identified for this variant. (I) 1208 - Inheritance information for this variant is not currently available in this individual. (I) Legend: (SP) - Supporting pathogenic, (I) - Information, (SB) - Supporting benign

Blueprint Genetics
Classification: Likely pathogenic for CTNNB1-related disorders. Last evaluated: 2021-10-08. Review status: criteria provided, single submitter. Criteria: ACMG Guidelines, 2015. Collection method: clinical testing. Allele origin: germline. Affected: yes. Observed: 1 variant allele.

Labcorp Genetics (formerly Invitae), Labcorp
Classification: Pathogenic. Last evaluated: 2021-09-04. Review status: criteria provided, single submitter. Criteria: Invitae Variant Classification Sherloc (09022015). Collection method: clinical testing. Allele origin: germline.
Comment: For these reasons, this variant has been classified as Pathogenic. Advanced modeling of protein sequence and biophysical properties (such as structural, functional, and spatial information, amino acid conservation, physicochemical variation, residue mobility, and thermodynamic stability) performed at Invitae indicates that this missense variant is expected to disrupt CTNNB1 protein function. ClinVar contains an entry for this variant (Variation ID: 208674). This missense change has been observed in individual(s) with CTNNB1-related conditions (PMID: 33350591). In at least one individual the variant was observed to be de novo. This variant is not present in population databases (ExAC no frequency). This sequence change replaces glycine with arginine at codon 575 of the CTNNB1 protein (p.Gly575Arg). The glycine residue is highly conserved and there is a moderate physicochemical difference between glycine and arginine.

Ambry Genetics
Classification: Likely pathogenic for Inborn genetic diseases. Last evaluated: 2014-11-05. Review status: criteria provided, single submitter. Criteria: Ambry exome assertion method (8-5-2015). Collection method: clinical testing. Allele origin: germline. Affected: yes. Observed: 1 variant allele.

PreventionGenetics, part of Exact Sciences
Classification: Pathogenic for CTNNB1-related condition. Last evaluated: 2024-04-03. Review status: no assertion criteria provided. Collection method: clinical testing. Allele origin: germline. Not counted in ClinVar's aggregate classification.
Comment: The CTNNB1 c.1723G>A variant is predicted to result in the amino acid substitution p.Gly575Arg. This variant has been recurrently reported to occur de novo in individuals with familial exudative vitreoretinopathy (Patient 3, Table 1, Rossetti et al. 2021. PubMed ID: 33350591; Kayumi et al. 2022. PubMed ID: 36083290; Table 1, Huang et al. 2023. PubMed ID: 36790797). This variant has not been reported in a large population database, indicating this variant is rare. This variant is interpreted as pathogenic.

Literature cited by the submitters: PubMed 28330790 (cited by Victorian Clinical Genetics Services, Murdoch Childrens Research Institute); PubMed 33350591 (cited by Victorian Clinical Genetics Services, Murdoch Childrens Research Institute and Labcorp Genetics (formerly Invitae), Labcorp).